The following is an entry in ClinVar:

NM_013339.4(ALG6):c.302G>A (p.Arg101His)

Gene: ALG6 (ALG6 alpha-1,3-glucosyltransferase; plus strand). Cytogenetic location: 1p31.3.
Variant type: single nucleotide variant.
Coding change: c.302G>A on transcript NM_013339.4 (MANE Select); coding-DNA position 302, G replaced by A.
Protein change: p.Arg101His; replaces arginine 101 with histidine.
Molecular consequence: missense variant.
Genome position (GRCh38, 1-based): chr1:63,404,497, G>A. VCF-style: chr1-63404497-G-A. GRCh37 (hg19) VCF-style: chr1-63870168-G-A.
Other names: short protein forms R101H.
Identifiers: ClinVar variation 875359 (VCV000875359.6), dbSNP rs760245924, ClinGen allele CA888132.
Genomic context (GRCh38, chr1:63,404,497, plus strand): 5'-ATGCTTTGATTTGCAGGGCAAAGTTTATAAATCCAGACTGGATTGCTCTCCATACATCAC[G>A]TGGATATGAGAGTCAGGCACATAAGCTCTTCATGCGTACAACAGGTAAAAGAGCAATGGG-3'
Protein context (NP_037471.2, residues 91-111): NPDWIALHTS[Arg101His]GYESQAHKLF

ClinVar aggregate classification (germline): Uncertain significance. Review status: criteria provided, multiple submitters, no conflicts (2 of 4 stars). 3 submissions from 3 submitters: Uncertain significance (2). 1 of the submissions does not count toward it. Last evaluated 2022-02-14.

Conditions:
ALG6-congenital disorder of glycosylation 1C (CDG1C). Also called: CARBOHYDRATE-DEFICIENT GLYCOPROTEIN SYNDROME, TYPE I, WITH DEFICIENT GLYCOSYLATION OF DOLICHOL-LINKED OLIGOSACCHARIDE; CARBOHYDRATE-DEFICIENT GLYCOPROTEIN SYNDROME, TYPE V; Congenital disorder of glycosylation type 1C; CDG Ic; Congenital disorder of glycosylation, type Ic. Identifiers: Orphanet 79320, MedGen C2930997, MONDO:0011291, OMIM 603147.

Allele frequency attached by ClinVar (database versions not stated): gnomAD 0.00001; TOPMed 0.00001; gnomAD exomes 0.00002 and 0.00004; ExAC 0.00004.
gnomAD v4.1: 38 of 1,613,602 alleles (0.0024%); highest among the groups gnomAD compares: Middle Eastern, 0.016%; no homozygotes.

Submissions (3):

Labcorp Genetics (formerly Invitae), Labcorp
Classification: Uncertain significance for ALG6-congenital disorder of glycosylation 1C. Last evaluated: 2022-02-14. Review status: criteria provided, single submitter. Criteria: Invitae Variant Classification Sherloc (09022015). Collection method: clinical testing. Allele origin: germline.
Comment: This sequence change replaces arginine, which is basic and polar, with histidine, which is basic and polar, at codon 101 of the ALG6 protein (p.Arg101His). This variant is present in population databases (rs760245924, gnomAD 0.03%). This variant has not been reported in the literature in individuals affected with ALG6-related conditions. ClinVar contains an entry for this variant (Variation ID: 875359). Algorithms developed to predict the effect of missense changes on protein structure and function are either unavailable or do not agree on the potential impact of this missense change (SIFT: "Deleterious"; PolyPhen-2: "Benign"; Align-GVGD: "Class C25"). In summary, the available evidence is currently insufficient to determine the role of this variant in disease. Therefore, it has been classified as a Variant of Uncertain Significance.

Illumina Laboratory Services, Illumina
Classification: Uncertain significance for ALG6-congenital disorder of glycosylation 1C. Last evaluated: 2018-01-13. Review status: criteria provided, single submitter. Criteria: ICSL Variant Classification Criteria 13 December 2019. Collection method: clinical testing. Allele origin: germline.

Natera, Inc.
Classification: Uncertain significance for Congenital disorder of glycosylation type 1c. Last evaluated: 2020-05-11. Review status: no assertion criteria provided. Collection method: clinical testing. Allele origin: germline. Not counted in ClinVar's aggregate classification.